The following is an entry in ClinVar:

ClinVar aggregate classification (germline): Uncertain significance (1 of 4 stars; one submission).

Allele frequency attached by ClinVar (database versions not stated): gnomAD 0.00001; TOPMed 0.00001.
gnomAD v4.1: 3 of 1,551,604 alleles (0.00019%); highest among the groups gnomAD compares: Non-Finnish European, 0.00026%; no homozygotes.

Submission:

Labcorp Genetics (formerly Invitae), Labcorp
Classification: Uncertain significance. Last evaluated: 2026-01-23. Review status: criteria provided, single submitter. Criteria: Invitae Variant Classification Sherloc (09022015). Collection method: clinical testing. Allele origin: germline.
Comment: This sequence change replaces leucine, which is neutral and non-polar, with histidine, which is basic and polar, at codon 397 of the DTHD1 protein (p.Leu397His). This variant is not present in population databases (gnomAD no frequency). This variant has not been reported in the literature in individuals affected with DTHD1-related conditions. ClinVar contains an entry for this variant (Variation ID: 1505464). An algorithm developed to predict the effect of missense changes on protein structure and function (PolyPhen-2) suggests that this variant is likely to be disruptive. In summary, the available evidence is currently insufficient to determine the role of this variant in disease. Therefore, it has been classified as a Variant of Uncertain Significance.

NM_001170700.3(DTHD1):c.2060T>A (p.Leu687His)

Gene: DTHD1 (death domain containing 1; plus strand). Cytogenetic location: 4p14.
Variant type: single nucleotide variant.
Coding change: c.2060T>A on transcript NM_001170700.3 (MANE Select); coding-DNA position 2060, T replaced by A.
Protein change: p.Leu687His; replaces leucine 687 with histidine.
Molecular consequence: missense variant. On other transcripts: non-coding transcript variant (2).
Genome position (GRCh38, 1-based): chr4:36,308,458, T>A. VCF-style: chr4-36308458-T-A. GRCh37 (hg19) VCF-style: chr4-36310080-T-A.
Other names: c.1190T>A, p.Leu397His (NM_001136536.5); c.1127T>A, p.Leu376His (NM_001378435.1); short protein forms L376H, L397H, L687H.
Identifiers: ClinVar variation 1505464 (VCV001505464.8), dbSNP rs778835630, ClinGen allele CA356681207.